The following is an entry in ClinVar:

NM_006208.3(ENPP1):c.1587T>C (p.Tyr529=)

Gene: ENPP1 (ectonucleotide pyrophosphatase/phosphodiesterase 1; plus strand). Cytogenetic location: 6q23.2.
Variant type: single nucleotide variant.
Coding change: c.1587T>C on transcript NM_006208.3 (MANE Select); coding-DNA position 1587, T replaced by C.
Protein change: p.Tyr529=; no amino-acid change (tyrosine 529 retained).
Molecular consequence: synonymous variant.
Genome position (GRCh38, 1-based): chr6:131,874,289, T>C. VCF-style: chr6-131874289-T-C. GRCh37 (hg19) VCF-style: chr6-132195429-T-C.
Identifiers: ClinVar variation 3603403 (VCV003603403.3).

ClinVar aggregate classification (germline): Likely benign. Review status: criteria provided, multiple submitters, no conflicts (2 of 4 stars). 2 submissions from 2 submitters: Likely benign (2). Last evaluated 2025-02-25.

gnomAD v4.1: 54 of 1,595,442 alleles (0.0034%); highest among the groups gnomAD compares: South Asian, 0.06%; no homozygotes.

Submissions (2):

Women's Health and Genetics/Laboratory Corporation of America, LabCorp
Classification: Likely benign. Last evaluated: 2025-02-25. Review status: criteria provided, single submitter. Criteria: LabCorp Variant Classification Summary - May 2015. Collection method: clinical testing. Allele origin: germline.
Comment: Variant summary: ENPP1 c.1587T>C alters a conserved nucleotide resulting in a synonymous change. Consensus agreement among computation tools predict no significant impact on normal splicing. However, these predictions have yet to be confirmed by functional studies. The variant allele was found at a frequency of 9.2e-05 in 250344 control chromosomes. This frequency is not significantly higher than estimated for a pathogenic variant in ENPP1 causing ENPP1-Related Disorders, allowing no conclusion about variant significance. To our knowledge, no occurrence of c.1587T>C in individuals affected with ENPP1-Related Disorders and no experimental evidence demonstrating its impact on protein function have been reported. ClinVar contains an entry for this variant (Variation ID: 3603403). Based on the evidence outlined above, the variant was classified as likely benign.

Labcorp Genetics (formerly Invitae), Labcorp
Classification: Likely benign. Last evaluated: 2024-09-29. Review status: criteria provided, single submitter. Criteria: Invitae Variant Classification Sherloc (09022015). Collection method: clinical testing. Allele origin: germline.